The following is an entry in ClinVar:

ClinVar aggregate classification (germline): Uncertain significance. Review status: criteria provided, multiple submitters, no conflicts (2 of 4 stars). 2 submissions from 2 submitters: Uncertain significance (2). Last evaluated 2023-02-09.

Conditions:
Seckel syndrome 1 (SCKL1). Also called: MICROCEPHALIC PRIMORDIAL DWARFISM I. Identifiers: Orphanet 808, MedGen C4551474, MONDO:0008869, OMIM 210600.
Inborn genetic diseases. Identifiers: MedGen C0950123, MeSH D030342.

gnomAD v4.1: 15 of 1,589,176 alleles (0.00094%); highest among the groups gnomAD compares: Non-Finnish European, 0.0013%; no homozygotes.

Submissions (2):

Ambry Genetics
Classification: Uncertain significance for Inborn genetic diseases. Last evaluated: 2023-02-09. Review status: criteria provided, single submitter. Criteria: Ambry Variant Classification Scheme 2023. Collection method: clinical testing. Allele origin: germline.
Comment: The p.H1054R variant (also known as c.3161A>G), located in coding exon 15 of the ATR gene, results from an A to G substitution at nucleotide position 3161. The histidine at codon 1054 is replaced by arginine, an amino acid with highly similar properties. This amino acid position is conserved. In addition, the in silico prediction for this alteration is inconclusive. Since supporting evidence is limited at this time, the clinical significance of this alteration remains unclear.

Illumina Laboratory Services, Illumina
Classification: Uncertain significance for Seckel syndrome 1. Last evaluated: 2018-01-12. Review status: criteria provided, single submitter. Criteria: ICSL Variant Classification Criteria 13 December 2019. Collection method: clinical testing. Allele origin: germline.

NM_001184.4(ATR):c.3161A>G (p.His1054Arg)

Gene: ATR (ATR serine/threonine kinase; minus strand). Cytogenetic location: 3q23.
Variant type: single nucleotide variant.
Coding change: c.3161A>G on transcript NM_001184.4 (MANE Select); coding-DNA position 3161, A replaced by G.
Protein change: p.His1054Arg; replaces histidine 1054 with arginine.
Molecular consequence: missense variant.
Genome position (GRCh38, 1-based): chr3:142,549,489, T>C on the plus strand (A>G on the coding strand, the complement: ATR is on the minus strand). VCF-style: chr3-142549489-T-C. GRCh37 (hg19) VCF-style: chr3-142268331-T-C.
Other names: c.2969A>G, p.His990Arg (NM_001354579.2); short protein forms H990R, H1054R.
Identifiers: ClinVar variation 901120 (VCV000901120.6), dbSNP rs1000929934, ClinGen allele CA84742997.